The following is an entry in ClinVar:

NM_004187.5(KDM5C):c.3072G>T (p.Glu1024Asp)

Gene: KDM5C (lysine demethylase 5C; minus strand). Cytogenetic location: Xp11.22.
Variant type: single nucleotide variant.
Coding change: c.3072G>T on transcript NM_004187.5 (MANE Select); coding-DNA position 3072, G replaced by T.
Protein change: p.Glu1024Asp; replaces glutamic acid 1024 with aspartic acid.
Molecular consequence: missense variant. On other transcripts: non-coding transcript variant (3).
Genome position (GRCh38, 1-based): chrX:53,195,964, C>A on the plus strand (G>T on the coding strand, the complement: KDM5C is on the minus strand). VCF-style: chrX-53195964-C-A. GRCh37 (hg19) VCF-style: chrX-53225146-C-A.
Other names: c.3072G>T (NM_004187.4); c.2871G>T, p.Glu957Asp (NM_001146702.2); c.3069G>T, p.Glu1023Asp (NM_001282622.3, NM_001353979.2, NM_001353982.2); c.3072G>T, p.Glu1024Asp (NM_001353978.3, NM_001353981.2, NM_001353984.2); short protein forms E1023D, E1024D, E957D.
Identifiers: ClinVar variation 1678719 (VCV001678719.34), dbSNP rs2146833113, ClinGen allele CA413111356.

ClinVar aggregate classification (germline): Conflicting classifications of pathogenicity. Review status: criteria provided, conflicting classifications (1 of 4 stars). 3 submissions from 3 submitters: Uncertain significance (2); Likely benign (1). Last evaluated 2022-08-01.

Conditions:
Intellectual developmental disorder, X-linked, syndromic, Claes-Jensen type. Also called: Syndromic X-linked intellectual disability Claes-Jensen type; INTELLECTUAL DEVELOPMENTAL DISORDER, X-LINKED, SYNDROMIC 16; MENTAL RETARDATION, X-LINKED, SYNDROMIC 16. Identifiers: Orphanet 85279, MedGen C1845243, MONDO:0010355, OMIM 300534.

Allele frequency attached by ClinVar (database versions not stated): gnomAD exomes below 0.00001.

Submissions (3):

CeGaT Center for Human Genetics Tuebingen
Classification: Uncertain significance. Last evaluated: 2022-08-01. Review status: criteria provided, single submitter. Criteria: CeGaT Center For Human Genetics Tuebingen Variant Classification Criteria Version 2. Collection method: clinical testing. Allele origin: germline. Affected: yes. Observed: 1 variant allele.
Comment: KDM5C: PM2, PS4:Moderate, PP2, BS2

Revvity Omics, Revvity
Classification: Uncertain significance for Intellectual developmental disorder, X-linked, syndromic, Claes-Jensen type. Last evaluated: 2020-12-03. Review status: criteria provided, single submitter. Criteria: ACMG Guidelines, 2015. Collection method: clinical testing. Allele origin: germline.

GeneDx
Classification: Likely benign. Last evaluated: 2019-03-12. Review status: criteria provided, single submitter. Criteria: GeneDx Variant Classification Process June 2021. Collection method: clinical testing. Allele origin: germline. Affected: yes.
Comment: See Variant Classification Assertion Criteria.